The following is an entry in ClinVar:

NM_020806.5(GPHN):c.143+5G>A

Gene: GPHN (gephyrin; plus strand). Cytogenetic location: 14q23.3.
Variant type: single nucleotide variant.
Coding change: c.143+5G>A on transcript NM_020806.5 (MANE Select); 5 bases into the intron after coding-DNA position 143, G replaced by A.
Molecular consequence: intron variant.
Genome position (GRCh38, 1-based): chr14:66,681,190, G>A. VCF-style: chr14-66681190-G-A. GRCh37 (hg19) VCF-style: chr14-67147908-G-A.
Other names: c.143+5G>A (NM_001377514.1, NM_001377519.1, NM_001377515.1 and 4 more transcripts).
Identifiers: ClinVar variation 3709947 (VCV003709947.2).

ClinVar aggregate classification (germline): Uncertain significance (1 of 4 stars; one submission).

Conditions:
Sulfite oxidase deficiency due to molybdenum cofactor deficiency type C. Also called: Molybdenum cofactor deficiency, complementation group C; Molybdenum cofactor deficiency C. Identifiers: Orphanet 308400, Orphanet 833, MedGen C1854990, MONDO:0014212, OMIM 615501.

Submission:

Labcorp Genetics (formerly Invitae), Labcorp
Classification: Uncertain significance for Sulfite oxidase deficiency due to molybdenum cofactor deficiency type C. Last evaluated: 2025-01-08. Review status: criteria provided, single submitter. Criteria: Invitae Variant Classification Sherloc (09022015). Collection method: clinical testing. Allele origin: germline.
Comment: This sequence change falls in intron 2 of the GPHN gene. It does not directly change the encoded amino acid sequence of the GPHN protein. It affects a nucleotide within the consensus splice site. This variant is not present in population databases (gnomAD no frequency). This variant has not been reported in the literature in individuals affected with GPHN-related conditions. Variants that disrupt the consensus splice site are a relatively common cause of aberrant splicing (PMID: 17576681, 9536098). Algorithms developed to predict the effect of sequence changes on RNA splicing suggest that this variant may disrupt the consensus splice site. In summary, the available evidence is currently insufficient to determine the role of this variant in disease. Therefore, it has been classified as a Variant of Uncertain Significance.

Literature cited by the submitters: PubMed 17576681; PubMed 9536098.